The following is an entry in ClinVar:

NM_133379.5(TTN):c.13859A>C (p.Gln4620Pro)

Gene: TTN (titin; minus strand). Cytogenetic location: 2q31.2.
Variant type: single nucleotide variant.
Coding change: c.13859A>C on transcript NM_133379.5; coding-DNA position 13859, A replaced by C.
Protein change: p.Gln4620Pro; replaces glutamine 4620 with proline.
Molecular consequence: missense variant. On other transcripts: intron variant (6).
Genome position (GRCh38, 1-based): chr2:178,748,541, T>G on the plus strand (A>C on the coding strand, the complement: TTN is on the minus strand). VCF-style: chr2-178748541-T-G. GRCh37 (hg19) VCF-style: chr2-179613268-T-G.
Other names: p.Q4620P:CAA>CCA; c.10360+4583A>C (NM_133378.4, NM_001256850.1); c.10222+4583A>C (NM_003319.4); c.10798+4583A>C (NM_133437.4); c.10597+4583A>C (NM_133432.3); c.11311+4583A>C (NM_001267550.2); short protein forms Q4620P.
Identifiers: ClinVar variation 192177 (VCV000192177.12), dbSNP rs139172299, ClinGen allele CA302634.

ClinVar aggregate classification (germline): Benign/Likely benign. Review status: criteria provided, multiple submitters, no conflicts (2 of 4 stars). 8 submissions from 8 submitters: Benign (2); Likely benign (2). 4 of the submissions do not count toward it. Last evaluated 2025-04-09.

Allele frequency attached by ClinVar (database versions not stated): gnomAD exomes 0.00033 and 0.00179; ESP Exome Variant Server 0.00046; gnomAD 0.00074 and 0.00089; TOPMed 0.00090; ExAC 0.00172; 1000 Genomes Project 30x 0.00344; 1000 Genomes Project 0.00379.
gnomAD v4.1: 693 of 1,613,092 alleles (0.043%); highest among the groups gnomAD compares: East Asian, 1.2%; 10 homozygotes.

Submissions (8):

Molecular Diagnostic Laboratory for Inherited Cardiovascular Disease, Montreal Heart Institute
Classification: Likely benign. Last evaluated: 2025-04-09. Review status: criteria provided, single submitter. Criteria: ACMG Guidelines, 2015. Collection method: clinical testing. Allele origin: germline. Affected: no.

Blueprint Genetics
Classification: Benign. Last evaluated: 2024-11-01. Review status: criteria provided, single submitter. Criteria: ACMG Guidelines, 2015. Collection method: clinical testing. Allele origin: germline.

Laboratory for Molecular Medicine, Mass General Brigham Personalized Medicine
Classification: Benign. Last evaluated: 2015-03-11. Review status: criteria provided, single submitter. Criteria: LMM Criteria. Collection method: clinical testing. Allele origin: germline. Observed: 1 variant allele.
Comment: p.Gln4620Pro in exon 46 of TTN: This variant is not expected to have clinical si gnificance because it has been identified in 2.2% (188/8576) of East Asian chrom osomes by the Exome Aggregation Consortium (ExAC ; dbSNP rs139172299).

Biesecker Lab/Clinical Genomics Section, National Institutes of Health
Classification: Likely benign. Last evaluated: 2013-06-24. Review status: criteria provided, single submitter. Criteria: Ng et al. (Circ Cardiovasc Genet. 2013). Collection method: research. Allele origin: unknown. Observed: 1 variant allele. Study: ClinSeq.
Comment: The study set was not selected for affection status in relation to any cancer. Pathogenicity categories were based on literature curation. See Pubmed ID:23861362 for details.

Medical sequencing

GeneDx
No classification provided. Last evaluated: 2014-10-03. Review status: no classification provided. Criteria: GeneDx Variant Classification (06012015). Collection method: clinical testing. Allele origin: germline. Affected: yes. Not counted in ClinVar's aggregate classification.
Comment: Missense variants in the TTN gene are considered 'unclassified' if they are not previously reported in the literature and do not have >1% frequency in the population to be considered a polymorphism. Research indicates that truncating mutations in the TTN gene are expected to account for approximately 25% of familial and 18% of sporadic idiopathic DCM; however, truncating variants in the TTN gene have been reported in approximately 3% of reported control alleles. There has been little investigation into non-truncating variants. (Herman D et al. Truncations of titin causing dilated cardiomyopathy. N Eng J Med 366:619-628, 2012) The variant is found in CARDIOMYOPATHY,DCM-CRDM panel(s).

Clinical Genetics, Academic Medical Center
Classification: Benign. Review status: no assertion criteria provided. Collection method: clinical testing. Allele origin: germline. Affected: yes. Study: VKGL Data-share Consensus. Not counted in ClinVar's aggregate classification.

Joint Genome Diagnostic Labs from Nijmegen and Maastricht, Radboudumc and MUMC+
Classification: Benign. Review status: no assertion criteria provided. Collection method: clinical testing. Allele origin: germline. Affected: yes. Study: VKGL Data-share Consensus. Not counted in ClinVar's aggregate classification.

Laboratory of Diagnostic Genome Analysis, Leiden University Medical Center (LUMC)
Classification: Likely benign. Review status: no assertion criteria provided. Collection method: clinical testing. Allele origin: germline. Affected: yes. Study: VKGL Data-share Consensus. Not counted in ClinVar's aggregate classification.